The following is an entry in ClinVar:

ClinVar aggregate classification (germline): Uncertain significance (1 of 4 stars; one submission).

Submission:

GeneDx
Classification: Uncertain significance. Last evaluated: 2022-05-13. Review status: criteria provided, single submitter. Criteria: GeneDx Variant Classification Process June 2021. Collection method: clinical testing. Allele origin: germline. Affected: yes.
Comment: Not observed at significant frequency in large population cohorts (gnomAD); In silico analysis supports that this missense variant has a deleterious effect on protein structure/function; In silico analysis suggests this variant may impact gene splicing. In the absence of RNA/functional studies, the actual effect of this sequence change is unknown.; Has not been previously published as pathogenic or benign to our knowledge

NM_012154.5(AGO2):c.580G>A (p.Gly194Arg)

Genes: AGO2 (argonaute RISC catalytic component 2; minus strand), LOC126860545 (MED14-independent group 3 enhancer GRCh37_chr8:141569579-141570778; plus strand). Cytogenetic location: 8q24.3.
Variant type: single nucleotide variant.
Coding change: c.580G>A on transcript NM_012154.5 (MANE Select); coding-DNA position 580, G replaced by A.
Protein change: p.Gly194Arg; replaces glycine 194 with arginine.
Molecular consequence: missense variant.
Genome position (GRCh38, 1-based): chr8:140,560,449, C>T on the plus strand (G>A on the coding strand, the complement: AGO2 is on the minus strand). VCF-style: chr8-140560449-C-T. GRCh37 (hg19) VCF-style: chr8-141570548-C-T.
Other names: c.580G>A, p.Gly194Arg (NM_001164623.3); short protein forms G194R.
Identifiers: ClinVar variation 1687707 (VCV001687707.2), dbSNP rs2132941161, ClinGen allele CA372323796.